The following is an entry in ClinVar:

ClinVar aggregate classification (germline): Uncertain significance (1 of 4 stars; one submission).

Allele frequency attached by ClinVar (database versions not stated): ExAC 0.00001; gnomAD exomes 0.00001; TOPMed 0.00001.

Submission:

Labcorp Genetics (formerly Invitae), Labcorp
Classification: Uncertain significance. Last evaluated: 2022-08-23. Review status: criteria provided, single submitter. Criteria: Invitae Variant Classification Sherloc (09022015). Collection method: clinical testing. Allele origin: germline.
Comment: This sequence change replaces proline, which is neutral and non-polar, with leucine, which is neutral and non-polar, at codon 2184 of the CAD protein (p.Pro2184Leu). This variant is present in population databases (rs758091396, gnomAD 0.0009%). This variant has not been reported in the literature in individuals affected with CAD-related conditions. Algorithms developed to predict the effect of missense changes on protein structure and function (SIFT, PolyPhen-2, Align-GVGD) all suggest that this variant is likely to be disruptive. In summary, the available evidence is currently insufficient to determine the role of this variant in disease. Therefore, it has been classified as a Variant of Uncertain Significance.

NM_004341.5(CAD):c.6551C>T (p.Pro2184Leu)

Genes: CAD (carbamoyl-phosphate synthetase 2, aspartate transcarbamylase, and dihydroorotase; plus strand), LOC126806172 (CDK7 strongly-dependent group 2 enhancer GRCh37_chr2:27465505-27466704; plus strand). Cytogenetic location: 2p23.3.
Variant type: single nucleotide variant.
Coding change: c.6551C>T on transcript NM_004341.5 (MANE Select); coding-DNA position 6551, C replaced by T.
Protein change: p.Pro2184Leu; replaces proline 2184 with leucine.
Molecular consequence: missense variant.
Genome position (GRCh38, 1-based): chr2:27,243,268, C>T. VCF-style: chr2-27243268-C-T. GRCh37 (hg19) VCF-style: chr2-27466136-C-T.
Other names: c.6362C>T, p.Pro2121Leu (NM_001306079.2); short protein forms P2184L, P2121L.
Identifiers: ClinVar variation 2070068 (VCV002070068.1), dbSNP rs758091396, ClinGen allele CA1574244.